The following is an entry in ClinVar:

ClinVar aggregate classification (germline): Uncertain significance. Review status: criteria provided, multiple submitters, no conflicts (2 of 4 stars). 3 submissions from 3 submitters: Uncertain significance (3). Last evaluated 2026-07-13.

Conditions:
Hereditary cancer-predisposing syndrome. Also called: Neoplastic Syndromes, Hereditary; Hereditary Cancer Syndrome; Tumor predisposition; Hereditary neoplastic syndrome. Identifiers: Orphanet 140162, MedGen C0027672, MeSH D009386, MONDO:0015356.
Familial thoracic aortic aneurysm and aortic dissection (TAAD). Also called: Thoracic aortic aneurysms and dissections. Identifiers: Orphanet 91387, MedGen C4707243, MONDO:0019625.
Juvenile polyposis syndrome (JPS). Identifiers: Orphanet 2929, MedGen C0345893, MONDO:0017380, OMIM 174900.

Submissions (3):

Ambry Genetics
Classification: Uncertain significance for Hereditary cancer-predisposing syndrome; Familial thoracic aortic aneurysm and aortic dissection. Last evaluated: 2026-07-13. Review status: criteria provided, single submitter. Criteria: Ambry Variant Classification Scheme 2023. Collection method: clinical testing. Allele origin: germline.
Comment: The p.R400G variant (also known as c.1198A>G), located in coding exon 9 of the SMAD4 gene, results from an A to G substitution at nucleotide position 1198. The arginine at codon 400 is replaced by glycine, an amino acid with dissimilar properties. This amino acid position is conserved. In addition, this alteration is predicted to be deleterious by in silico analysis. Based on the available evidence, the clinical significance of this variant remains unclear.

Color Diagnostics, LLC DBA Color Health
Classification: Uncertain significance for Hereditary cancer-predisposing syndrome. Last evaluated: 2024-03-06. Review status: criteria provided, single submitter. Criteria: ACMG Guidelines, 2015. Collection method: clinical testing. Allele origin: germline.
Comment: This missense variant replaces arginine with glycine at codon 400 of the SMAD4 protein. Computational prediction suggests that this variant may have deleterious impact on protein structure and function (internally defined REVEL score threshold >= 0.7, PMID: 27666373). Splice site prediction tools suggest that this variant may not impact RNA splicing. To our knowledge, functional studies have not been performed for this variant. This variant has not been reported in individuals affected with hereditary cancer in the literature. This variant has not been identified in the general population by the Genome Aggregation Database (gnomAD). The available evidence is insufficient to determine the role of this variant in disease conclusively. Therefore, this variant is classified as a Variant of Uncertain Significance.

Labcorp Genetics (formerly Invitae), Labcorp
Classification: Uncertain significance for Juvenile polyposis syndrome. Last evaluated: 2021-11-19. Review status: criteria provided, single submitter. Criteria: Invitae Variant Classification Sherloc (09022015). Collection method: clinical testing. Allele origin: germline.
Comment: This variant has not been reported in the literature in individuals affected with SMAD4-related conditions. In summary, the available evidence is currently insufficient to determine the role of this variant in disease. Therefore, it has been classified as a Variant of Uncertain Significance. Advanced modeling of protein sequence and biophysical properties (such as structural, functional, and spatial information, amino acid conservation, physicochemical variation, residue mobility, and thermodynamic stability) performed at Invitae indicates that this missense variant is expected to disrupt SMAD4 protein function. ClinVar contains an entry for this variant (Variation ID: 927099). This variant is not present in population databases (gnomAD no frequency). This sequence change replaces arginine, which is basic and polar, with glycine, which is neutral and non-polar, at codon 400 of the SMAD4 protein (p.Arg400Gly).

NM_005359.6(SMAD4):c.1198A>G (p.Arg400Gly)

Gene: SMAD4 (SMAD family member 4; plus strand). Cytogenetic location: 18q21.2.
Variant type: single nucleotide variant.
Coding change: c.1198A>G on transcript NM_005359.6 (MANE Select); coding-DNA position 1198, A replaced by G.
Protein change: p.Arg400Gly; replaces arginine 400 with glycine.
Molecular consequence: missense variant.
Genome position (GRCh38, 1-based): chr18:51,067,077, A>G. VCF-style: chr18-51067077-A-G. GRCh37 (hg19) VCF-style: chr18-48593447-A-G.
Other names: short protein forms R400G.
Identifiers: ClinVar variation 927099 (VCV000927099.11), dbSNP rs1910180511, ClinGen allele CA402464834.